The following is an entry in ClinVar:

ClinVar aggregate classification (germline): Uncertain significance. Review status: criteria provided, multiple submitters, no conflicts (2 of 4 stars). 2 submissions from 2 submitters: Uncertain significance (2). Last evaluated 2024-03-26.

Conditions:
Autosomal recessive ataxia, Beauce type. Also called: ATAXIA, RECESSIVE, OF BEAUCE; Spinocerebellar ataxia, autosomal recessive 8; SYNE1-Related Autosomal Recessive Cerebellar Ataxia; SYNE1 Deficiency. Identifiers: Orphanet 88644, MedGen C1853116, MONDO:0012549, OMIM 610743.
Emery-Dreifuss muscular dystrophy 4, autosomal dominant (EDMD4). Also called: EMERY-DREIFUSS MUSCULAR DYSTROPHY 4 WITH VARIABLE FEATURES. Identifiers: Orphanet 261, MedGen C2751807, MONDO:0013071, OMIM 612998.

Allele frequency attached by ClinVar (database versions not stated): TOPMed below 0.00001; gnomAD 0.00001.
gnomAD v4.1: 1 of 1,613,952 alleles (0.000062%); highest among the groups gnomAD compares: African/African-American, 0.0013%; no homozygotes.

Submissions (2):

Athena Diagnostics
Classification: Uncertain significance. Last evaluated: 2024-03-26. Review status: criteria provided, single submitter. Criteria: Athena Diagnostics Criteria. Collection method: clinical testing. Allele origin: unknown.
Comment: Available data are insufficient to determine the clinical significance of the variant at this time. The frequency of this variant in the general population is uninformative in assessment of its pathogenicity. Computational tools disagree on the variant's effect on normal protein function.

Labcorp Genetics (formerly Invitae), Labcorp
Classification: Uncertain significance for Emery-Dreifuss muscular dystrophy 4, autosomal dominant; Autosomal recessive ataxia, Beauce type. Last evaluated: 2022-07-26. Review status: criteria provided, single submitter. Criteria: Invitae Variant Classification Sherloc (09022015). Collection method: clinical testing. Allele origin: germline.
Comment: This sequence change replaces valine, which is neutral and non-polar, with phenylalanine, which is neutral and non-polar, at codon 8071 of the SYNE1 protein (p.Val8071Phe). This variant is present in population databases (no rsID available, gnomAD 0.01%). This variant has not been reported in the literature in individuals affected with SYNE1-related conditions. ClinVar contains an entry for this variant (Variation ID: 1013874). Algorithms developed to predict the effect of missense changes on protein structure and function are either unavailable or do not agree on the potential impact of this missense change (SIFT: "Deleterious"; PolyPhen-2: "Probably Damaging"; Align-GVGD: "Class C0"). In summary, the available evidence is currently insufficient to determine the role of this variant in disease. Therefore, it has been classified as a Variant of Uncertain Significance.

NM_182961.4(SYNE1):c.24424G>T (p.Val8142Phe)

Gene: SYNE1 (spectrin repeat containing nuclear envelope protein 1; minus strand). Cytogenetic location: 6q25.2.
Variant type: single nucleotide variant.
Coding change: c.24424G>T on transcript NM_182961.4 (MANE Select); coding-DNA position 24424, G replaced by T.
Protein change: p.Val8142Phe; replaces valine 8142 with phenylalanine.
Molecular consequence: missense variant.
Genome position (GRCh38, 1-based): chr6:152,151,579, C>A on the plus strand (G>T on the coding strand, the complement: SYNE1 is on the minus strand). VCF-style: chr6-152151579-C-A. GRCh37 (hg19) VCF-style: chr6-152472714-C-A.
Other names: c.1030G>T, p.Val344Phe (NM_001347701.2); c.889G>T, p.Val297Phe (NM_001347702.2); c.24211G>T, p.Val8071Phe (NM_033071.5); c.24424G>T (NM_182961.2); short protein forms V297F, V344F, V8071F, V8142F.
Identifiers: ClinVar variation 1013874 (VCV001013874.3), dbSNP rs1389166406, ClinGen allele CA366086558.